The following is an entry in ClinVar:

NM_001041.4(SI):c.3116del (p.Lys1039fs)

Gene: SI (sucrase-isomaltase; minus strand). Cytogenetic location: 3q26.1.
Variant type: Deletion.
Coding change: c.3116del on transcript NM_001041.4 (MANE Select); coding-DNA position 3116, one base deleted (A; older notation c.3116delA).
Protein change: p.Lys1039fs; shifts the reading frame from lysine 1039.
Molecular consequence: frameshift variant.
Genome position (GRCh38, 1-based): chr3:165,021,367, T deleted on the plus strand (A on the coding strand, the reverse complement: SI is on the minus strand); the first of 4 consecutive T bases (chr3:165,021,367-165,021,370); deleting any one gives the same sequence. VCF-style (leftmost placement, unchanged base first): chr3-165021366-CT-C. GRCh37 (hg19) VCF-style: chr3-164739154-CT-C.
Other names: short protein forms K1039fs.
Identifiers: ClinVar variation 4768483 (VCV004768483.1).

ClinVar aggregate classification (germline): Pathogenic (1 of 4 stars; one submission).

Submission:

Labcorp Genetics (formerly Invitae), Labcorp
Classification: Pathogenic. Last evaluated: 2025-04-11. Review status: criteria provided, single submitter. Criteria: Invitae Variant Classification Sherloc (09022015). Collection method: clinical testing. Allele origin: germline.
Comment: This sequence change creates a premature translational stop signal (p.Lys1039Argfs*10) in the SI gene. It is expected to result in an absent or disrupted protein product. Loss-of-function variants in SI are known to be pathogenic (PMID: 16329100, 23103650, 25452324). This variant is not present in population databases (gnomAD no frequency). This variant has not been reported in the literature in individuals affected with SI-related conditions. For these reasons, this variant has been classified as Pathogenic.

Literature cited by the submitters: PubMed 16329100; PubMed 23103650; PubMed 25452324.